The following is an entry in ClinVar:

NM_020738.4(KIDINS220):c.3844C>T (p.His1282Tyr)

Gene: KIDINS220 (kinase D interacting substrate 220; minus strand). Cytogenetic location: 2p25.1.
Variant type: single nucleotide variant.
Coding change: c.3844C>T on transcript NM_020738.4 (MANE Select); coding-DNA position 3844, C replaced by T.
Protein change: p.His1282Tyr; replaces histidine 1282 with tyrosine.
Molecular consequence: missense variant. On other transcripts: non-coding transcript variant (2).
Genome position (GRCh38, 1-based): chr2:8,733,653, G>A on the plus strand (C>T on the coding strand, the complement: KIDINS220 is on the minus strand). VCF-style: chr2-8733653-G-A. GRCh37 (hg19) VCF-style: chr2-8873783-G-A.
Other names: c.3847C>T, p.His1283Tyr (NM_001348729.2); c.3790C>T, p.His1264Tyr (NM_001348731.2); c.3787C>T, p.His1263Tyr (NM_001348732.2, NM_001348738.2); c.3676C>T, p.His1226Tyr (NM_001348734.2, NM_001348739.2, NM_001348740.2); c.3673C>T, p.His1225Tyr (NM_001348735.2, NM_001348741.2, NM_001348742.2 and 1 more transcripts); c.3547C>T, p.His1183Tyr (NM_001348736.2); short protein forms H1264Y, H1225Y, H1282Y, H1283Y, H1183Y, H1263Y, H1226Y.
Identifiers: ClinVar variation 4992236 (VCV004992236.1).

ClinVar aggregate classification (germline): Uncertain significance (1 of 4 stars; one submission).

Conditions:
KIDINS220-related disorder. Also called: KIDINS220-related condition.

gnomAD v4.1: 1 of 1,584,234 alleles (0.000063%); highest among the groups gnomAD compares: Admixed American, 0.0018%; no homozygotes.

Submission:

PreventionGenetics, part of Exact Sciences
Classification: Uncertain significance for KIDINS220-related condition. Last evaluated: 2025-12-01. Review status: criteria provided, single submitter. Criteria: ACMG Guidelines, 2015. Collection method: clinical testing. Allele origin: germline.
Comment: The KIDINS220 c.3844C>T variant is predicted to result in the amino acid substitution p.His1282Tyr. To our knowledge, this variant has not been reported in the literature. This variant is reported in 0.0033% of alleles in individuals of Latino descent in gnomAD. At this time, the clinical significance of this variant is uncertain due to the absence of conclusive functional and genetic evidence.